The following is an entry in ClinVar:

NM_016203.4(PRKAG2):c.720C>G (p.Ala240=)

Genes: PRKAG2 (protein kinase AMP-activated non-catalytic subunit gamma 2; minus strand), LOC129999660 (ATAC-STARR-seq lymphoblastoid silent region 18823; plus strand). Cytogenetic location: 7q36.1.
Variant type: single nucleotide variant.
Coding change: c.720C>G on transcript NM_016203.4 (MANE Select); coding-DNA position 720, C replaced by G.
Protein change: p.Ala240=; no amino-acid change (alanine 240 retained).
Molecular consequence: synonymous variant. On other transcripts: 5 prime UTR variant (2).
Genome position (GRCh38, 1-based): chr7:151,632,103, G>C on the plus strand (C>G on the coding strand, the complement: PRKAG2 is on the minus strand). VCF-style: chr7-151632103-G-C. GRCh37 (hg19) VCF-style: chr7-151329189-G-C.
Other names: c.588C>G, p.Ala196= (NM_001040633.2); c.348C>G, p.Ala116= (NM_001304527.2, NM_001363698.2); c.-4C>G (NM_001304531.2, NM_024429.2).
Identifiers: ClinVar variation 227878 (VCV000227878.15), dbSNP rs752351250, ClinGen allele CA058150.
Genomic context (GRCh38, chr7:151,632,103, plus strand): 5'-GCCGGCAGCGGGCGGGGCGCACTCACCTTCGTCCTCGAACTCCAGCTTCTCCAGCATGCC[G>C]GCTTCCGCGGGTCCCAGGGCCGCCGCCAGCGCCGCCTGAGGGGGAGGAGGAGGACAGCGA-3'
Protein context (NP_057287.2, residues 230-250): ALAAALGPAE[Ala240=]GMLEKLEFED

ClinVar aggregate classification (germline): Likely benign. Review status: criteria provided, multiple submitters, no conflicts (2 of 4 stars). 3 submissions from 3 submitters: Likely benign (3). Last evaluated 2024-09-24.

Conditions:
Lethal congenital glycogen storage disease of heart. Also called: PHOSPHORYLASE KINASE DEFICIENCY OF HEART; GLYCOGEN STORAGE DISEASE OF HEART. Identifiers: Orphanet 439854, MedGen C1849813, MONDO:0009867, OMIM 261740.
Cardiomyopathy (CMYO). Also called: Cardiomyopathies. Identifiers: Orphanet 167848, MedGen C0878544, MONDO:0004994, HP:0001638. Inheritance: Various modes of inheritance.

Allele frequency attached by ClinVar (database versions not stated): gnomAD exomes below 0.00001; ExAC 0.00001.
gnomAD v4.1: 3 of 1,415,686 alleles (0.00021%); highest among the groups gnomAD compares: South Asian, 0.0027%; no homozygotes.

Submissions (3):

Labcorp Genetics (formerly Invitae), Labcorp
Classification: Likely benign for Lethal congenital glycogen storage disease of heart. Last evaluated: 2024-09-24. Review status: criteria provided, single submitter. Criteria: Invitae Variant Classification Sherloc (09022015). Collection method: clinical testing. Allele origin: germline.

Color Diagnostics, LLC DBA Color Health
Classification: Likely benign for Cardiomyopathy. Last evaluated: 2018-11-21. Review status: criteria provided, single submitter. Criteria: ACMG Guidelines, 2015. Collection method: clinical testing. Allele origin: germline.

Laboratory for Molecular Medicine, Mass General Brigham Personalized Medicine
Classification: Likely benign. Last evaluated: 2015-08-13. Review status: criteria provided, single submitter. Criteria: LMM Criteria. Collection method: clinical testing. Allele origin: germline. Observed: 1 variant allele.
Comment: p.Ala240Ala in exon 5 of PRKAG2: This variant is not expected to have clinical s ignificance because it does not alter an amino acid residue and is not located w ithin the splice consensus sequence. It has been identified in 1/12354 of South Asian chromosomes by the Exome Aggregation Consortium (ExAC).